The following is an entry in ClinVar:

NM_002016.2(FLG):c.3543T>C (p.His1181=)

Genes: CCDST (cervical cancer associated DHX9 suppressive transcript; plus strand), FLG (filaggrin; minus strand). Cytogenetic location: 1q21.3.
Variant type: single nucleotide variant.
Coding change: c.3543T>C on transcript NM_002016.2 (MANE Select); coding-DNA position 3543, T replaced by C.
Protein change: p.His1181=; no amino-acid change (histidine 1181 retained).
Molecular consequence: synonymous variant.
Genome position (GRCh38, 1-based): chr1:152,311,343, A>G on the plus strand (T>C on the coding strand, the complement: FLG is on the minus strand). VCF-style: chr1-152311343-A-G. GRCh37 (hg19) VCF-style: chr1-152283819-A-G.
Identifiers: ClinVar variation 2639296 (VCV002639296.24), dbSNP rs560068280, ClinGen allele CA1106633.

ClinVar aggregate classification (germline): Likely benign (1 of 4 stars; one submission).

Allele frequency attached by ClinVar (database versions not stated): ExAC 0.00031; 1000 Genomes Project 30x 0.00078; 1000 Genomes Project 0.00080.
gnomAD v4.1: 302 of 1,613,462 alleles (0.019%); highest among the groups gnomAD compares: South Asian, 0.16%; no homozygotes.

Submission:

CeGaT Center for Human Genetics Tuebingen
Classification: Likely benign. Last evaluated: 2023-10-01. Review status: criteria provided, single submitter. Criteria: CeGaT Center For Human Genetics Tuebingen Variant Classification Criteria Version 2. Collection method: clinical testing. Allele origin: germline. Affected: yes. Observed: 3 variant alleles.
Comment: FLG: BP4, BP7